The following is an entry in ClinVar:

ClinVar aggregate classification (germline): Uncertain significance. Review status: criteria provided, single submitter (1 of 4 stars). 2 submissions from 2 submitters: Uncertain significance (1). 1 of the submissions does not count toward it. Last evaluated 2026-01-14.

Conditions:
Marfan syndrome (MFS). Also called: Marfan syndrome type 1; Marfan syndrome, classic; Marfan's syndrome; FBN1-Related Marfan Syndrome; MARFAN SYNDROME, TYPE I. Identifiers: Orphanet 284963, Orphanet 558, MedGen C0024796, MONDO:0007947, OMIM 154700.

Submissions (2):

3billion
Classification: Uncertain significance for Marfan syndrome. Last evaluated: 2026-01-14. Review status: criteria provided, single submitter. Criteria: ACMG Guidelines, 2015. Collection method: clinical testing. Allele origin: germline. Affected: yes.
Comment: The variant is not observed in the gnomAD v4.1.0 dataset. Predicted Consequence/Location: Missense variant In silico tool predictions suggest damaging effect of the variant on gene or gene product [REVEL: 0.81 (>=0.6, sensitivity 0.68 and specificity 0.92); 3Cnet: 0.80 (> 0.75, sensitivity 0.96 and precision 0.92)]. The same nucleotide change resulting in the same amino acid change has been previously reported to be associated with FBN1-related disorder (ClinVar ID: VCV000549273 /PMID: 11700157). However, the evidence of pathogenicity is insufficient at this time. Therefore, this variant is classified as VUS according to the recommendation of ACMG/AMP guideline.

Center for Medical Genetics Ghent, University of Ghent
Classification: Likely pathogenic for Marfan syndrome. Last evaluated: 2017-11-07. Review status: no assertion criteria provided. Collection method: clinical testing. Allele origin: germline. Affected: yes. Not counted in ClinVar's aggregate classification.

Literature cited by the submitters: PubMed 11700157 (cited by 3billion).

NM_000138.5(FBN1):c.5369G>C (p.Arg1790Pro)

Gene: FBN1 (fibrillin 1; minus strand). Cytogenetic location: 15q21.1.
Variant type: single nucleotide variant.
Coding change: c.5369G>C on transcript NM_000138.5 (MANE Select); coding-DNA position 5369, G replaced by C.
Protein change: p.Arg1790Pro; replaces arginine 1790 with proline.
Molecular consequence: missense variant.
Genome position (GRCh38, 1-based): chr15:48,456,690, C>G on the plus strand (G>C on the coding strand, the complement: FBN1 is on the minus strand). VCF-style: chr15-48456690-C-G. GRCh37 (hg19) VCF-style: chr15-48748887-C-G.
Other names: short protein forms R1790P.
Identifiers: ClinVar variation 549273 (VCV000549273.2), dbSNP rs1555396428, ClinGen allele CA392346032.